The following is an entry in ClinVar:

ClinVar aggregate classification (germline): Likely benign (1 of 4 stars; one submission).

Allele frequency attached by ClinVar (database versions not stated): TOPMed 0.00003; gnomAD 0.00006 and 0.00003; ESP Exome Variant Server 0.00015.
gnomAD v4.1: 51 of 1,614,036 alleles (0.0032%); highest among the groups gnomAD compares: Non-Finnish European, 0.0035%; no homozygotes.

Submission:

Laboratory for Molecular Medicine, Mass General Brigham Personalized Medicine
Classification: Likely benign. Last evaluated: 2016-09-21. Review status: criteria provided, single submitter. Criteria: LMM Criteria. Collection method: clinical testing. Allele origin: germline. Observed: 1 variant allele.
Comment: p.Arg53Gln in exon 2 of SFTPD: This variant is not expected to have clinical sig nificance due to a lack of conservation across species, including mammals. Of no te, 4 mammals have a glutamine (Gln) at this position despite high nearby amino acid conservation. In addition, computational prediction tools do not suggest a high likelihood of impact to the protein. This variant has also been identified in 5/66662 European chromosomes and 1/11556 Latino chromosomes by the Exome Aggr egation Consortium (ExAC; dbSNP rs142564545).

NM_003019.5(SFTPD):c.158G>A (p.Arg53Gln)

Gene: SFTPD (surfactant protein D; minus strand). Cytogenetic location: 10q22.3.
Variant type: single nucleotide variant.
Coding change: c.158G>A on transcript NM_003019.5 (MANE Select); coding-DNA position 158, G replaced by A.
Protein change: p.Arg53Gln; replaces arginine 53 with glutamine.
Molecular consequence: missense variant.
Genome position (GRCh38, 1-based): chr10:79,946,502, C>T on the plus strand (G>A on the coding strand, the complement: SFTPD is on the minus strand). VCF-style: chr10-79946502-C-T. GRCh37 (hg19) VCF-style: chr10-81706258-C-T.
Other names: short protein forms R53Q.
Identifiers: ClinVar variation 504741 (VCV000504741.5), dbSNP rs142564545, ClinGen allele CA5575272.